The following is an entry in ClinVar:

ClinVar aggregate classification (germline): Likely pathogenic. Review status: criteria provided, multiple submitters, no conflicts (2 of 4 stars). 3 submissions from 3 submitters: Likely pathogenic (3). Last evaluated 2025-05-06.

Conditions:
Intellectual developmental disorder with macrocephaly, seizures, and speech delay. Identifiers: MedGen C4748428, MONDO:0032568, OMIM 618158.

Submissions (3):

Variantyx, Inc.
Classification: Likely pathogenic for Intellectual developmental disorder with macrocephaly, seizures, and speech delay. Last evaluated: 2025-05-06. Review status: criteria provided, single submitter. Criteria: Variantyx Assertion Criteria 2022. Collection method: clinical testing. Allele origin: de novo. Inheritance: Autosomal dominant inheritance. Affected: yes.
Comment: This is a nonsynonymous variant in the PAK1 gene (OMIM: 602590). Pathogenic variants in this gene have been associated with autosomal dominant intellectual developmental disorder with macrocephaly, seizures, and speech delay. The alteration lies within a known hotspot for pathogenic variants and/or a well-established critical functional domain of the PAK1 protein (PMID: 37820543) (PM1). This variant is absent from control populations (PM2). Computational algorithms produce conflicting evidence regarding the predicted functional impact of this variant (REVEL score: 0.573). Based on the current evidence, this variant is classified as likely pathogenic for autosomal dominant intellectual developmental disorder with macrocephaly, seizures, and speech delay.

Fulgent Genetics
Classification: Likely pathogenic for Intellectual developmental disorder with macrocephaly, seizures, and speech delay. Last evaluated: 2021-08-07. Review status: criteria provided, single submitter. Criteria: ACMG Guidelines, 2015. Collection method: clinical testing. Allele origin: unknown.

Institute of Medical Genetics and Applied Genomics, University Hospital Tübingen
Classification: Likely pathogenic. Last evaluated: 2020-10-23. Review status: criteria provided, single submitter. Criteria: ACMG Guidelines, 2015. Collection method: clinical testing. Allele origin: germline. Inheritance: Autosomal dominant inheritance. Affected: yes.

Literature cited by the submitters: PubMed 37820543 (cited by Variantyx, Inc.).

NM_002576.5(PAK1):c.428T>C (p.Met143Thr)

Gene: PAK1 (p21 (RAC1) activated kinase 1; minus strand). Cytogenetic location: 11q13.5.
Variant type: single nucleotide variant.
Coding change: c.428T>C on transcript NM_002576.5 (MANE Select); coding-DNA position 428, T replaced by C.
Protein change: p.Met143Thr; replaces methionine 143 with threonine.
Molecular consequence: missense variant. On other transcripts: non-coding transcript variant (2), intron variant (1).
Genome position (GRCh38, 1-based): chr11:77,379,252, A>G on the plus strand (T>C on the coding strand, the complement: PAK1 is on the minus strand). VCF-style: chr11-77379252-A-G. GRCh37 (hg19) VCF-style: chr11-77090297-A-G.
Other names: c.428T>C, p.Met143Thr (NM_001128620.2, NM_001376268.1, NM_001376269.1 and 26 more transcripts); c.191-4887T>C (NM_001376301.1); c.449T>C, p.Met150Thr (NM_001376272.1); c.134T>C, p.Met45Thr (NM_001376302.1, NM_001376304.1, NM_001376305.1); short protein forms M143T, M150T, M45T.
Identifiers: ClinVar variation 987294 (VCV000987294.3), dbSNP rs1949512290, ClinGen allele CA382169428.